The following is an entry in ClinVar:

NM_001048174.2(MUTYH):c.375G>A (p.Met125Ile)

Gene: MUTYH (mutY DNA glycosylase; minus strand). Cytogenetic location: 1p34.1.
Variant type: single nucleotide variant.
Coding change: c.375G>A on transcript NM_001048174.2 (MANE Select); coding-DNA position 375, G replaced by A.
Protein change: p.Met125Ile; replaces methionine 125 with isoleucine.
Molecular consequence: missense variant. On other transcripts: non-coding transcript variant (1), intron variant (2).
Genome position (GRCh38, 1-based): chr1:45,333,100, C>T on the plus strand (G>A on the coding strand, the complement: MUTYH is on the minus strand). VCF-style: chr1-45333100-C-T. GRCh37 (hg19) VCF-style: chr1-45798772-C-T.
Other names: c.459G>A (NM_001128425.1); c.375G>A, p.Met125Ile (NM_001048171.2, NM_001048173.2, NM_001293195.2); c.378G>A, p.Met126Ile (NM_001048172.2); c.459G>A, p.Met153Ile (NM_001128425.2); c.420G>A, p.Met140Ile (NM_001293190.2); c.408G>A, p.Met136Ile (NM_001293191.2); c.99G>A, p.Met33Ile (NM_001293192.2, NM_001293196.2); c.450G>A, p.Met150Ile (NM_012222.3); and 1 more; short protein forms M125I, M126I, M136I, M140I, M150I, M153I, M33I.
Identifiers: ClinVar variation 1053877 (VCV001053877.10), dbSNP rs1060501328, ClinGen allele CA340136067.

ClinVar aggregate classification (germline): Uncertain significance. Review status: criteria provided, multiple submitters, no conflicts (2 of 4 stars). 2 submissions from 2 submitters: Uncertain significance (2). Last evaluated 2025-08-27.

Conditions:
Familial adenomatous polyposis 2. Also called: Adenomas, multiple colorectal; MUTYH Polyposis; COLORECTAL ADENOMATOUS POLYPOSIS, AUTOSOMAL RECESSIVE; ADENOMAS, MULTIPLE COLORECTAL, AUTOSOMAL RECESSIVE; FAP type 2; MUTYH-associated polyposis. Identifiers: Orphanet 220460, Orphanet 247798, MedGen C3272841, MONDO:0012041, OMIM 608456.
Hereditary cancer-predisposing syndrome. Also called: Neoplastic Syndromes, Hereditary; Hereditary Cancer Syndrome; Hereditary neoplastic syndrome; Tumor predisposition. Identifiers: Orphanet 140162, MedGen C0027672, MeSH D009386, MONDO:0015356.

Submissions (2):

Ambry Genetics
Classification: Uncertain significance for Hereditary cancer-predisposing syndrome. Last evaluated: 2025-08-27. Review status: criteria provided, single submitter. Criteria: Ambry Variant Classification Scheme 2023. Collection method: clinical testing. Allele origin: germline.
Comment: The p.M153I variant (also known as c.459G>A), located in coding exon 5 of the MUTYH gene, results from a G to A substitution at nucleotide position 459. The methionine at codon 153 is replaced by isoleucine, an amino acid with highly similar properties. This amino acid position is conserved. In addition, this alteration is predicted to be deleterious by in silico analysis. Based on the available evidence, the clinical significance of this variant remains unclear.

Labcorp Genetics (formerly Invitae), Labcorp
Classification: Uncertain significance for Familial adenomatous polyposis 2. Last evaluated: 2020-06-04. Review status: criteria provided, single submitter. Criteria: Invitae Variant Classification Sherloc (09022015). Collection method: clinical testing. Allele origin: germline.
Comment: This sequence change replaces methionine with isoleucine at codon 153 of the MUTYH protein (p.Met153Ile). The methionine residue is highly conserved and there is a small physicochemical difference between methionine and isoleucine. This variant is not present in population databases (ExAC no frequency). This variant has not been reported in the literature in individuals with MUTYH-related conditions. Algorithms developed to predict the effect of missense changes on protein structure and function are either unavailable or do not agree on the potential impact of this missense change (SIFT: "Deleterious"; PolyPhen-2: "Probably Damaging"; Align-GVGD: "Class C0"). In summary, the available evidence is currently insufficient to determine the role of this variant in disease. Therefore, it has been classified as a Variant of Uncertain Significance.